The following is an entry in ClinVar:

ClinVar aggregate classification (germline): Uncertain significance. Review status: criteria provided, multiple submitters, no conflicts (2 of 4 stars). 2 submissions from 2 submitters: Uncertain significance (2). Last evaluated 2026-01-05.

Conditions:
Peroxisome biogenesis disorder. Identifiers: Orphanet 79189, MedGen C1832200, MONDO:0019234. Disease mechanism: loss of function.

Allele frequency attached by ClinVar (database versions not stated): TOPMed below 0.00001; gnomAD exomes 0.00002 and 0.00004; ExAC 0.00004.
gnomAD v4.1: 29 of 1,614,032 alleles (0.0018%); highest among the groups gnomAD compares: South Asian, 0.032%; no homozygotes.

Submissions (2):

Labcorp Genetics (formerly Invitae), Labcorp
Classification: Uncertain significance for Peroxisome biogenesis disorder. Last evaluated: 2026-01-05. Review status: criteria provided, single submitter. Criteria: Invitae Variant Classification Sherloc (09022015). Collection method: clinical testing. Allele origin: germline.
Comment: This sequence change replaces proline, which is neutral and non-polar, with serine, which is neutral and polar, at codon 159 of the PEX16 protein (p.Pro159Ser). This variant is present in population databases (rs774416603, gnomAD 0.03%). This variant has not been reported in the literature in individuals affected with PEX16-related conditions. ClinVar contains an entry for this variant (Variation ID: 1023599). Invitae Evidence Modeling of protein sequence and biophysical properties (such as structural, functional, and spatial information, amino acid conservation, physicochemical variation, residue mobility, and thermodynamic stability) indicates that this missense variant is not expected to disrupt PEX16 protein function with a negative predictive value of 80%. In summary, the available evidence is currently insufficient to determine the role of this variant in disease. Therefore, it has been classified as a Variant of Uncertain Significance.

Revvity Omics, Revvity
Classification: Uncertain significance. Last evaluated: 2019-05-29. Review status: criteria provided, single submitter. Criteria: ACMG Guidelines, 2015. Collection method: clinical testing. Allele origin: germline.

NM_004813.4(PEX16):c.475C>T (p.Pro159Ser)

Gene: PEX16 (peroxisomal biogenesis factor 16; minus strand). Cytogenetic location: 11p11.2.
Variant type: single nucleotide variant.
Coding change: c.475C>T on transcript NM_004813.4 (MANE Select); coding-DNA position 475, C replaced by T.
Protein change: p.Pro159Ser; replaces proline 159 with serine.
Molecular consequence: missense variant.
Genome position (GRCh38, 1-based): chr11:45,914,670, G>A on the plus strand (C>T on the coding strand, the complement: PEX16 is on the minus strand). VCF-style: chr11-45914670-G-A. GRCh37 (hg19) VCF-style: chr11-45936221-G-A.
Other names: c.475C>T (NM_004813.2); c.475C>T, p.Pro159Ser (NM_057174.3); short protein forms P159S.
Identifiers: ClinVar variation 1023599 (VCV001023599.10), dbSNP rs774416603, ClinGen allele CA5959955.